The following is an entry in ClinVar:

NM_001267550.2(TTN):c.106526T>C (p.Ile35509Thr)

Genes: TTN (titin; minus strand), TTN-AS1 (TTN antisense RNA 1; plus strand). Cytogenetic location: 2q31.2.
Variant type: single nucleotide variant.
Coding change: c.106526T>C on transcript NM_001267550.2 (MANE Select); coding-DNA position 106526, T replaced by C.
Protein change: p.Ile35509Thr; replaces isoleucine 35509 with threonine.
Molecular consequence: missense variant.
Genome position (GRCh38, 1-based): chr2:178,529,965, A>G on the plus strand (T>C on the coding strand, the complement: TTN is on the minus strand). VCF-style: chr2-178529965-A-G. GRCh37 (hg19) VCF-style: chr2-179394692-A-G.
Other names: c.101603T>C, p.Ile33868Thr (NM_001256850.1); c.79331T>C, p.Ile26444Thr (NM_003319.4); c.98822T>C, p.Ile32941Thr (NM_133378.4); c.79706T>C, p.Ile26569Thr (NM_133432.3); c.79907T>C, p.Ile26636Thr (NM_133437.4); short protein forms I26444T, I33868T, I26636T, I32941T, I35509T, I26569T.
Identifiers: ClinVar variation 1439483 (VCV001439483.4), dbSNP rs1447572736, ClinGen allele CA349404979.

ClinVar aggregate classification (germline): Uncertain significance (1 of 4 stars; one submission).

Conditions:
Dilated cardiomyopathy 1G (CMD1G). Identifiers: Orphanet 154, MedGen C1858763, MONDO:0011400, OMIM 604145.
Autosomal recessive limb-girdle muscular dystrophy type 2J (LGMDR10). Also called: Limb-girdle muscular dystrophy, type 2J; MUSCULAR DYSTROPHY, LIMB-GIRDLE, AUTOSOMAL RECESSIVE 10. Identifiers: Orphanet 140922, MedGen C1837342, MONDO:0012127, OMIM 608807.

Allele frequency attached by ClinVar (database versions not stated): gnomAD exomes below 0.00001 and 0.00001.
gnomAD v4.1: 11 of 1,589,628 alleles (0.00069%); highest among the groups gnomAD compares: Non-Finnish European, 0.00094%; no homozygotes.

Submission:

Labcorp Genetics (formerly Invitae), Labcorp
Classification: Uncertain significance for Dilated cardiomyopathy 1G; Autosomal recessive limb-girdle muscular dystrophy type 2J. Last evaluated: 2025-10-26. Review status: criteria provided, single submitter. Criteria: Invitae Variant Classification Sherloc (09022015). Collection method: clinical testing. Allele origin: germline.
Comment: This sequence change replaces isoleucine, which is neutral and non-polar, with threonine, which is neutral and polar, at codon 35509 of the TTN protein (p.Ile35509Thr). This variant is present in population databases (no rsID available, gnomAD 0.0009%). This variant has not been reported in the literature in individuals affected with TTN-related conditions. ClinVar contains an entry for this variant (Variation ID: 1439483). Experimental studies and prediction algorithms are not available or were not evaluated, and the functional significance of this variant is currently unknown. This variant is located in the M band of TTN (PMID: 25589632). Non-truncating variants in this region may be relevant for neuromuscular disorders, but have not been definitively shown to cause cardiomyopathy (PMID: 23975875). In summary, the available evidence is currently insufficient to determine the role of this variant in disease. Therefore, it has been classified as a Variant of Uncertain Significance.

Literature cited by the submitters: PubMed 25589632; PubMed 23975875.